The following is an entry in ClinVar:

ClinVar aggregate classification (germline): Uncertain significance (1 of 4 stars; one submission).

Submission:

Labcorp Genetics (formerly Invitae), Labcorp
Classification: Uncertain significance. Last evaluated: 2020-05-31. Review status: criteria provided, single submitter. Criteria: Invitae Variant Classification Sherloc (09022015). Collection method: clinical testing. Allele origin: germline.
Comment: This sequence change replaces proline with serine at codon 1616 of the HSPG2 protein (p.Pro1616Ser). The proline residue is moderately conserved and there is a moderate physicochemical difference between proline and serine. This variant is not present in population databases (ExAC no frequency). This variant has not been reported in the literature in individuals with HSPG2-related conditions. Algorithms developed to predict the effect of missense changes on protein structure and function are either unavailable or do not agree on the potential impact of this missense change (SIFT: "Deleterious"; PolyPhen-2: "Probably Damaging"; Align-GVGD: "Class C0"). In summary, the available evidence is currently insufficient to determine the role of this variant in disease. Therefore, it has been classified as a Variant of Uncertain Significance.

NM_005529.7(HSPG2):c.4846C>T (p.Pro1616Ser)

Gene: HSPG2 (heparan sulfate proteoglycan 2; minus strand). Cytogenetic location: 1p36.12.
Variant type: single nucleotide variant.
Coding change: c.4846C>T on transcript NM_005529.7 (MANE Select); coding-DNA position 4846, C replaced by T.
Protein change: p.Pro1616Ser; replaces proline 1616 with serine.
Molecular consequence: missense variant.
Genome position (GRCh38, 1-based): chr1:21,862,010, G>A on the plus strand (C>T on the coding strand, the complement: HSPG2 is on the minus strand). VCF-style: chr1-21862010-G-A. GRCh37 (hg19) VCF-style: chr1-22188503-G-A.
Other names: c.4849C>T, p.Pro1617Ser (NM_001291860.2); short protein forms P1616S, P1617S.
Identifiers: ClinVar variation 1011285 (VCV001011285.8), dbSNP rs1639828584, ClinGen allele CA338950468.